The following is an entry in ClinVar:

ClinVar aggregate classification (germline): Pathogenic (1 of 4 stars; one submission).

Submission:

Labcorp Genetics (formerly Invitae), Labcorp
Classification: Pathogenic. Last evaluated: 2023-05-20. Review status: criteria provided, single submitter. Criteria: Invitae Variant Classification Sherloc (09022015). Collection method: clinical testing. Allele origin: germline.
Comment: This variant has not been reported in the literature in individuals affected with TTLL5-related conditions. This sequence change creates a premature translational stop signal (p.Val1134Alafs*57) in the TTLL5 gene. It is expected to result in an absent or disrupted protein product. Loss-of-function variants in TTLL5 are known to be pathogenic (PMID: 24791901, 27162334). This variant is not present in population databases (gnomAD no frequency). For these reasons, this variant has been classified as Pathogenic.

Literature cited by the submitters: PubMed 24791901; PubMed 27162334.

NM_015072.5(TTLL5):c.3401del (p.Val1134fs)

Gene: TTLL5 (tubulin tyrosine ligase like 5; plus strand). Cytogenetic location: 14q24.3.
Variant type: Deletion.
Coding change: c.3401del on transcript NM_015072.5 (MANE Select); coding-DNA position 3401, one base deleted (T; older notation c.3401delT).
Protein change: p.Val1134fs; shifts the reading frame from valine 1134.
Molecular consequence: frameshift variant.
Genome position (GRCh38, 1-based): chr14:75,863,741, T deleted. VCF-style (leftmost placement, unchanged base first): chr14-75863740-GT-G. GRCh37 (hg19) VCF-style: chr14-76330083-GT-G.
Other names: short protein forms V1134fs.
Identifiers: ClinVar variation 2866278 (VCV002866278.3), dbSNP rs2503652732, ClinGen allele CA2739279994.